The following is an entry in ClinVar:

ClinVar aggregate classification (germline): Benign. Review status: criteria provided, multiple submitters, no conflicts (2 of 4 stars). 2 submissions from 2 submitters: Benign (2). Last evaluated 2018-01-13.

Conditions:
Hereditary fructosuria. Also called: Fructose intolerance; ALDOB DEFICIENCY; ALDOLASE B DEFICIENCY; FRUCTOSE-1,6-BISPHOSPHATE ALDOLASE B DEFICIENCY; FRUCTOSE-1-PHOSPHATE ALDOLASE DEFICIENCY; FRUCTOSEMIA. Identifiers: Orphanet 469, MedGen C0016751, MONDO:0009249, OMIM 229600, HP:0005973. Disease mechanism: loss of function.

Allele frequency attached by ClinVar (database versions not stated): gnomAD 0.46095 and 0.46382; TOPMed 0.46544; 1000 Genomes Project 30x 0.49703; 1000 Genomes Project 0.49780.

Submissions (2):

Illumina Laboratory Services, Illumina
Classification: Benign for Hereditary fructosuria. Last evaluated: 2018-01-13. Review status: criteria provided, single submitter. Criteria: ICSL Variant Classification Criteria 13 December 2019. Collection method: clinical testing. Allele origin: germline.
Comment: This variant was observed in the ICSL laboratory as part of a predisposition screen in an ostensibly healthy population. It had not been previously curated by ICSL or reported in the Human Gene Mutation Database (HGMD: prior to June 1st, 2018), and was therefore a candidate for classification through an automated scoring system. Utilizing variant allele frequency, disease prevalence and penetrance estimates, and inheritance mode, an automated score was calculated to assess if this variant is too frequent to cause the disease. Based on the score and internal cut-off values, a variant classified as benign is not then subjected to further curation. The score for this variant resulted in a classification of benign for this disease.

Breakthrough Genomics
Classification: Benign. Review status: criteria provided, single submitter. Criteria: ACMG Guidelines, 2015. Collection method: not provided. Allele origin: germline. Inheritance: Autosomal recessive inheritance. Affected: yes.

NM_000035.4(ALDOB):c.*1151A>G

Gene: ALDOB (aldolase, fructose-bisphosphate B; minus strand). Cytogenetic location: 9q31.1.
Variant type: single nucleotide variant.
Coding change: c.*1151A>G on transcript NM_000035.4 (MANE Select); 1151 bases downstream of the stop codon, A replaced by G.
Molecular consequence: 3 prime UTR variant.
Genome position (GRCh38, 1-based): chr9:101,420,658, T>C on the plus strand (A>G on the coding strand, the complement: ALDOB is on the minus strand). VCF-style: chr9-101420658-T-C. GRCh37 (hg19) VCF-style: chr9-104182940-T-C.
Other names: c.*1151A>G (LRG_1244t1).
Identifiers: ClinVar variation 364288 (VCV000364288.6), dbSNP rs491979, ClinGen allele CA10626079.
Genomic context (GRCh38, chr9:101,420,658, plus strand): 5'-TATATATTTTTATGATTTACATCCATTTCTTTTATTACTTAAATAGAATTAAAGCACTAT[T>C]TCTTAACCCATCAGTTTTAAGTAGTATTCCTGACTCTCTTTGCTTTCTTCCACTTCTCCT-3'